The following is an entry in ClinVar:

ClinVar aggregate classification (germline): Pathogenic (1 of 4 stars; one submission).

Conditions:
Hereditary breast ovarian cancer syndrome. Also called: Hereditary breast and/or ovarian cancer syndrome; Hereditary breast and ovarian cancer syndrome (HBOC); Breast and ovarian cancer; Hereditary breast and ovarian cancer; BRCA1- and BRCA2-Associated Hereditary Breast and Ovarian Cancer; Hereditary breast and ovarian cancer syndrome. Identifiers: Orphanet 145, MedGen C0677776, MeSH D061325, MONDO:0003582. Disease mechanism: loss of function.

Submission:

Labcorp Genetics (formerly Invitae), Labcorp
Classification: Pathogenic for Hereditary breast ovarian cancer syndrome. Last evaluated: 2019-06-29. Review status: criteria provided, single submitter. Criteria: Invitae Variant Classification Sherloc (09022015). Collection method: clinical testing. Allele origin: germline.
Comment: Loss-of-function variants in BRCA2 are known to be pathogenic (PMID: 20104584). This variant has not been reported in the literature in individuals with BRCA2-related disease. This variant is an out-of-frame deletion of the genomic region encompassing exons 5-18 of the BRCA2 gene. This is expected to create a premature translational stop signal and result in an absent or disrupted protein product. For these reasons, this variant has been classified as Pathogenic.

Literature cited by the submitters: PubMed 20104584.

NC_000013.11:g.(?_32326081)_(32363553_?)del

Gene: BRCA2 (BRCA2 DNA repair associated; plus strand). Cytogenetic location: 13q13.1.
Variant type: Deletion.
Identifiers: ClinVar variation 831626 (VCV000831626.7).